The following is an entry in ClinVar:

NM_000038.6(APC):c.2203G>A (p.Ala735Thr)

Gene: APC (APC regulator of Wnt signaling pathway; plus strand). Cytogenetic location: 5q22.2.
Variant type: single nucleotide variant.
Coding change: c.2203G>A on transcript NM_000038.6 (MANE Select); coding-DNA position 2203, G replaced by A.
Protein change: p.Ala735Thr; replaces alanine 735 with threonine.
Molecular consequence: missense variant. On other transcripts: non-coding transcript variant (2).
Genome position (GRCh38, 1-based): chr5:112,837,797, G>A. VCF-style: chr5-112837797-G-A. GRCh37 (hg19) VCF-style: chr5-112173494-G-A.
Other names: c.2203G>A, p.Ala735Thr (NM_001127510.3, NM_001354895.2, NM_001407450.1); c.2149G>A, p.Ala717Thr (NM_001127511.3); c.2257G>A, p.Ala753Thr (NM_001354896.2, NM_001407447.1, NM_001407448.1 and 1 more transcripts); c.2233G>A, p.Ala745Thr (NM_001354897.2); c.2128G>A, p.Ala710Thr (NM_001354898.2); c.2119G>A, p.Ala707Thr (NM_001354899.2); c.2080G>A, p.Ala694Thr (NM_001354900.2); c.2026G>A, p.Ala676Thr (NM_001354901.2, NM_001407453.1); and 11 more; short protein forms A634T, A707T, A725T, A728T, A745T, A351T, A575T, A606T.
Identifiers: ClinVar variation 3928852 (VCV003928852.2).
Genomic context (GRCh38, chr5:112,837,797, plus strand): 5'-CACAAAATGATTGCTATGGGAAGTGCTGCAGCTTTAAGGAATCTCATGGCAAATAGGCCT[G>A]CGAAGTACAAGGATGCCAATATTATGTCTCCTGGCTCAAGCTTGCCATCTCTTCATGTTA-3'
Protein context (NP_000029.2, residues 725-745): ALRNLMANRP[Ala735Thr]KYKDANIMSP

ClinVar aggregate classification (germline): Uncertain significance. Review status: criteria provided, multiple submitters, no conflicts (2 of 4 stars). 2 submissions from 2 submitters: Uncertain significance (2). Last evaluated 2025-09-05.

Conditions:
Familial adenomatous polyposis 1 (FAP1). Also called: FAMILIAL ADENOMATOUS POLYPOSIS 1, ATTENUATED; POLYPOSIS, ADENOMATOUS INTESTINAL. Identifiers: MedGen C2713442, MONDO:0021056, OMIM 175100. Disease mechanism: loss of function.
Hereditary cancer-predisposing syndrome. Also called: Hereditary Cancer Syndrome; Hereditary neoplastic syndrome; Neoplastic Syndromes, Hereditary; Tumor predisposition. Identifiers: Orphanet 140162, MedGen C0027672, MeSH D009386, MONDO:0015356.

Submissions (2):

Labcorp Genetics (formerly Invitae), Labcorp
Classification: Uncertain significance for Familial adenomatous polyposis 1. Last evaluated: 2025-09-05. Review status: criteria provided, single submitter. Criteria: Invitae Variant Classification Sherloc (09022015). Collection method: clinical testing. Allele origin: germline.
Comment: This sequence change replaces alanine, which is neutral and non-polar, with threonine, which is neutral and polar, at codon 735 of the APC protein (p.Ala735Thr). This variant is not present in population databases (gnomAD no frequency). This variant has not been reported in the literature in individuals affected with APC-related conditions. ClinVar contains an entry for this variant (Variation ID: 3928852). Invitae Evidence Modeling of protein sequence and biophysical properties (such as structural, functional, and spatial information, amino acid conservation, physicochemical variation, residue mobility, and thermodynamic stability) indicates that this missense variant is not expected to disrupt APC protein function with a negative predictive value of 95%. In summary, the available evidence is currently insufficient to determine the role of this variant in disease. Therefore, it has been classified as a Variant of Uncertain Significance.

Ambry Genetics
Classification: Uncertain significance for Hereditary cancer-predisposing syndrome. Last evaluated: 2025-05-08. Review status: criteria provided, single submitter. Criteria: Ambry Variant Classification Scheme 2023. Collection method: clinical testing. Allele origin: germline.
Comment: The p.A735T variant (also known as c.2203G>A), located in coding exon 15 of the APC gene, results from a G to A substitution at nucleotide position 2203. The alanine at codon 735 is replaced by threonine, an amino acid with similar properties. This amino acid position is highly conserved in available vertebrate species. In addition, in silico predictors for this gene do not accurately predict pathogenicity. Missense alterations in APC are not a common cause of disease (Spier I et al. Genet Med. 2024 Feb;26(2):100992). Based on the available evidence, the clinical significance of this variant remains unclear.